The following is an entry in ClinVar:

ClinVar aggregate classification (germline): Uncertain significance (1 of 4 stars; one submission).

Conditions:
Ehlers-Danlos syndrome, dermatosparaxis type. Also called: Dermatosparaxis; EDS VIIC; Ehlers-Danlos syndrome, type VII, autosomal recessive. Identifiers: Orphanet 1901, MedGen C2700425, MONDO:0009161, OMIM 225410.

Submission:

Labcorp Genetics (formerly Invitae), Labcorp
Classification: Uncertain significance for Ehlers-Danlos syndrome, dermatosparaxis type. Last evaluated: 2020-03-11. Review status: criteria provided, single submitter. Criteria: Invitae Variant Classification Sherloc (09022015). Collection method: clinical testing. Allele origin: germline.
Comment: In summary, the available evidence is currently insufficient to determine the role of this variant in disease. Therefore, it has been classified as a Variant of Uncertain Significance. Experimental studies and prediction algorithms are not available or were not evaluated, and the functional significance of this variant is currently unknown. This variant has not been reported in the literature in individuals with ADAMTS2-related conditions. This variant results in a copy number gain of the genomic region encompassing exons 3-13 of the ADAMTS2 gene. While the exact position of this variant cannot be determined from this data, sub-genic copy number gains are generally in tandem (PMID: 25640679). This variant would be expected to be in-frame, preserving the integrity of the reading frame.

Literature cited by the submitters: PubMed 25640679.

NC_000005.9:g.(?_178562901)_(178700075_?)dup

Gene: ADAMTS2 (ADAM metallopeptidase with thrombospondin type 1 motif 2; minus strand). Cytogenetic location: 5q35.3.
Variant type: Duplication.
Identifiers: ClinVar variation 1054426 (VCV001054426.7).